The following is an entry in ClinVar:

ClinVar aggregate classification (germline): Benign/Likely benign. Review status: criteria provided, multiple submitters, no conflicts (2 of 4 stars). 5 submissions from 5 submitters: Benign (3); Likely benign (2). Last evaluated 2026-01-16.

Conditions:
Inborn genetic diseases. Identifiers: MedGen C0950123, MeSH D030342.
Intellectual developmental disorder, autosomal dominant 1. Also called: Intellectual disability, autosomal dominant 1; MBD5 Haploinsufficiency. Identifiers: Orphanet 228402, MedGen C1969562, MONDO:0007974, OMIM 156200.

Allele frequency attached by ClinVar (database versions not stated): gnomAD exomes 0.00021 and 0.00071; ExAC 0.00099; gnomAD 0.00267 and 0.00290; ESP Exome Variant Server 0.00292; TOPMed 0.00305; 1000 Genomes Project 30x 0.00359; 1000 Genomes Project 0.00379.
gnomAD v4.1: 731 of 1,614,124 alleles (0.045%); highest among the groups gnomAD compares: African/African-American, 0.89%; 2 homozygotes.

Submissions (5):

Labcorp Genetics (formerly Invitae), Labcorp
Classification: Benign for Intellectual developmental disorder, autosomal dominant 1. Last evaluated: 2026-01-16. Review status: criteria provided, single submitter. Criteria: Invitae Variant Classification Sherloc (09022015). Collection method: clinical testing. Allele origin: germline.

CeGaT Center for Human Genetics Tuebingen
Classification: Likely benign. Last evaluated: 2024-11-01. Review status: criteria provided, single submitter. Criteria: CeGaT Center For Human Genetics Tuebingen Variant Classification Criteria Version 2. Collection method: clinical testing. Allele origin: germline. Affected: yes. Observed: 2 variant alleles.
Comment: MBD5: BP4, BP7

Ambry Genetics
Classification: Likely benign for Inborn genetic diseases. Last evaluated: 2016-07-26. Review status: criteria provided, single submitter. Criteria: Ambry Variant Classification Scheme 2023. Collection method: clinical testing. Allele origin: germline.

Eurofins Ntd Llc (ga)
Classification: Benign. Last evaluated: 2015-09-29. Review status: criteria provided, single submitter. Criteria: EGL Classification Definitions 2015. Collection method: clinical testing. Allele origin: germline. Observed: 1 variant allele, 1 heterozygote.

GeneDx
Classification: Benign. Last evaluated: 2014-01-24. Review status: criteria provided, single submitter. Criteria: GeneDx Variant Classification (06012015). Collection method: clinical testing. Allele origin: germline. Affected: yes.
Comment: This variant is considered likely benign or benign based on one or more of the following criteria: it is a conservative change, it occurs at a poorly conserved position in the protein, it is predicted to be benign by multiple in silico algorithms, and/or has population frequency not consistent with disease.

NM_001378120.1(MBD5):c.3942T>A (p.Gly1314=)

Gene: MBD5 (methyl-CpG binding domain protein 5; plus strand). Cytogenetic location: 2q23.1.
Variant type: single nucleotide variant.
Coding change: c.3942T>A on transcript NM_001378120.1 (MANE Select); coding-DNA position 3942, T replaced by A.
Protein change: p.Gly1314=; no amino-acid change (glycine 1314 retained).
Molecular consequence: synonymous variant.
Genome position (GRCh38, 1-based): chr2:148,489,574, T>A. VCF-style: chr2-148489574-T-A. GRCh37 (hg19) VCF-style: chr2-149247143-T-A.
Other names: p.G1081G:GGT>GGA; c.3243T>A, p.Gly1081= (NM_018328.5).
Identifiers: ClinVar variation 138177 (VCV000138177.34), dbSNP rs115816749, ClinGen allele CA292024.
Genomic context (GRCh38, chr2:148,489,574, plus strand): 5'-GAGGATTGACCCATCTCTTGGTCAACAGGTGAAGGATGGCCTCGTTGTGGGTGGCCCAGG[T>A]GATGCTTCCGTAGATGCCATTTACAAAGCAGTTGTCGATGCAGCCAGCAAAGGAATGCAG-3'
Protein context (NP_001365049.1, residues 1304-1324): VKDGLVVGGP[Gly1314=]DASVDAIYKA